The following is an entry in ClinVar:

ClinVar aggregate classification (germline): Pathogenic (1 of 4 stars; one submission).

Conditions:
Bardet-Biedl syndrome (BBS). Identifiers: Orphanet 110, MedGen C0752166, MONDO:0015229.

Submission:

Labcorp Genetics (formerly Invitae), Labcorp
Classification: Pathogenic for Bardet-Biedl syndrome. Last evaluated: 2022-06-09. Review status: criteria provided, single submitter. Criteria: Invitae Variant Classification Sherloc (09022015). Collection method: clinical testing. Allele origin: germline.
Comment: For these reasons, this variant has been classified as Pathogenic. This variant has not been reported in the literature in individuals affected with BBS2-related conditions. This variant is not present in population databases (gnomAD no frequency). This sequence change creates a premature translational stop signal (p.Asn393Lysfs*15) in the BBS2 gene. It is expected to result in an absent or disrupted protein product. Loss-of-function variants in BBS2 are known to be pathogenic (PMID: 11285252, 20177705, 24608809, 26518167).

Literature cited by the submitters: PubMed 11285252; PubMed 20177705; PubMed 24608809; PubMed 26518167.

NM_031885.5(BBS2):c.1179_1180del (p.Asn393fs)

Gene: BBS2 (Bardet-Biedl syndrome 2; minus strand). Cytogenetic location: 16q13.
Variant type: Deletion.
Coding change: c.1179_1180del on transcript NM_031885.5 (MANE Select); coding-DNA positions 1179 to 1180, 2 bases deleted (TG; older notation c.1179_1180delTG).
Protein change: p.Asn393fs; shifts the reading frame from asparagine 393.
Molecular consequence: frameshift variant. On other transcripts: non-coding transcript variant (5).
Genome position (GRCh38, 1-based): chr16:56,501,398-56,501,399, CA deleted on the plus strand (TG on the coding strand, the reverse complement: BBS2 is on the minus strand). VCF-style (leftmost placement, unchanged base first): chr16-56501397-TCA-T. GRCh37 (hg19) VCF-style: chr16-56535309-TCA-T.
Other names: c.1179_1180del, p.Asn393fs (NM_001377456.1); short protein forms N393fs.
Identifiers: ClinVar variation 2004007 (VCV002004007.4), dbSNP rs2543709159, ClinGen allele CA2580091756.